The following is an entry in ClinVar:

ClinVar aggregate classification (germline): Uncertain significance. Review status: criteria provided, multiple submitters, no conflicts (2 of 4 stars). 2 submissions from 2 submitters: Uncertain significance (2). Last evaluated 2023-12-05.

Conditions:
Hereditary cancer-predisposing syndrome. Also called: Tumor predisposition; Neoplastic Syndromes, Hereditary; Hereditary neoplastic syndrome; Hereditary Cancer Syndrome. Identifiers: Orphanet 140162, MedGen C0027672, MeSH D009386, MONDO:0015356.

Allele frequency attached by ClinVar (database versions not stated): gnomAD exomes below 0.00001.
gnomAD v4.1: 1 of 1,614,142 alleles (0.000062%); highest among the groups gnomAD compares: Non-Finnish European, 0.000085%; no homozygotes.

Submissions (2):

Color Diagnostics, LLC DBA Color Health
Classification: Uncertain significance for Hereditary cancer-predisposing syndrome. Last evaluated: 2023-12-05. Review status: criteria provided, single submitter. Criteria: ACMG Guidelines, 2015. Collection method: clinical testing. Allele origin: germline.
Comment: This missense variant replaces glutamic acid with glycine at codon 205 of the MSH6 protein. Computational prediction suggests that this variant may not impact protein structure and function (internally defined REVEL score threshold <= 0.5, PMID: 27666373). To our knowledge, functional studies have not been reported for this variant. This variant has not been reported in individuals affected with MSH6-related disorders in the literature. This variant has not been identified in the general population by the Genome Aggregation Database (gnomAD). The available evidence is insufficient to determine the role of this variant in disease conclusively. Therefore, this variant is classified as a Variant of Uncertain Significance.

Ambry Genetics
Classification: Uncertain significance for Hereditary cancer-predisposing syndrome. Last evaluated: 2021-04-20. Review status: criteria provided, single submitter. Criteria: Ambry Variant Classification Scheme 2023. Collection method: clinical testing. Allele origin: germline.
Comment: The p.E205G variant (also known as c.614A>G), located in coding exon 3 of the MSH6 gene, results from an A to G substitution at nucleotide position 614. The glutamic acid at codon 205 is replaced by glycine, an amino acid with similar properties. This amino acid position is well conserved in available vertebrate species. In addition, this alteration is predicted to be tolerated by in silico analysis. Since supporting evidence is limited at this time, the clinical significance of this alteration remains unclear.

NM_000179.3(MSH6):c.614A>G (p.Glu205Gly)

Gene: MSH6 (mutS homolog 6; plus strand). Cytogenetic location: 2p16.3.
Variant type: single nucleotide variant.
Coding change: c.614A>G on transcript NM_000179.3 (MANE Select); coding-DNA position 614, A replaced by G.
Protein change: p.Glu205Gly; replaces glutamic acid 205 with glycine.
Molecular consequence: missense variant. On other transcripts: 5 prime UTR variant (1), intron variant (2).
Genome position (GRCh38, 1-based): chr2:47,796,050, A>G. VCF-style: chr2-47796050-A-G. GRCh37 (hg19) VCF-style: chr2-48023189-A-G.
Other names: c.-289A>G (NM_001281494.2); c.-279-2561A>G (NM_001281493.2); c.238-2561A>G (NM_001281492.2); short protein forms E205G.
Identifiers: ClinVar variation 630984 (VCV000630984.7), dbSNP rs1558656767, ClinGen allele CA346738885.
Genomic context (GRCh38, chr2:47,796,050, plus strand): 5'-AAGACAAGATTAAGAGGCTTGAATTGGCAGTTTGTGATGAGCCCTCAGAGCCAGAAGAGG[A>G]AGAAGAGATGGAGGTGGGACACGGCAAGCATTCAGTTGTTATTTATGTTAGGGTGATGGG-3'
Protein context (NP_000170.1, residues 195-215): VCDEPSEPEE[Glu205Gly]EEMEVGTTYV